The following is an entry in ClinVar:

ClinVar aggregate classification (germline): Likely benign (1 of 4 stars; one submission).

gnomAD v4.1: 135 of 1,542,890 alleles (0.0087%); highest among the groups gnomAD compares: Admixed American, 0.13%; no homozygotes.

Submission:

CeGaT Center for Human Genetics Tuebingen
Classification: Likely benign. Last evaluated: 2026-06-01. Review status: criteria provided, single submitter. Criteria: CeGaT Center For Human Genetics Tuebingen Variant Classification Criteria Version 2. Collection method: clinical testing. Allele origin: germline. Affected: yes. Observed: 2 variant alleles.
Comment: IQSEC1: BP4, BP7

NM_001134382.3(IQSEC1):c.3162C>T (p.His1054=)

Gene: IQSEC1 (IQ motif and Sec7 domain ArfGEF 1; minus strand). Cytogenetic location: 3p25.2.
Variant type: single nucleotide variant.
Coding change: c.3162C>T on transcript NM_001134382.3 (MANE Select); coding-DNA position 3162, C replaced by T.
Protein change: p.His1054=; no amino-acid change (histidine 1054 retained).
Molecular consequence: synonymous variant. On other transcripts: 3 prime UTR variant (1), intron variant (1).
Genome position (GRCh38, 1-based): chr3:12,901,166, G>A on the plus strand (C>T on the coding strand, the complement: IQSEC1 is on the minus strand). VCF-style: chr3-12901166-G-A. GRCh37 (hg19) VCF-style: chr3-12942665-G-A.
Other names: c.*343C>T (NM_001330619.3); c.3486C>T, p.His1162= (NM_001376938.2); c.2847+1607C>T (NM_014869.8).
Identifiers: ClinVar variation 4873762 (VCV004873762.2).